The following is an entry in ClinVar:

NM_000245.4(MET):c.1749A>G (p.Ile583Met)

Gene: MET (MET proto-oncogene, receptor tyrosine kinase; plus strand). Cytogenetic location: 7q31.2.
Variant type: single nucleotide variant.
Coding change: c.1749A>G on transcript NM_000245.4 (MANE Select); coding-DNA position 1749, A replaced by G.
Protein change: p.Ile583Met; replaces isoleucine 583 with methionine.
Molecular consequence: missense variant.
Genome position (GRCh38, 1-based): chr7:116,755,402, A>G. VCF-style: chr7-116755402-A-G. GRCh37 (hg19) VCF-style: chr7-116395456-A-G.
Other names: c.1749A>G, p.Ile583Met (NM_001127500.3, NM_001324401.3); c.459A>G, p.Ile153Met (NM_001324402.2); c.1749A>G (NM_001127500.2); short protein forms I583M, I153M.
Identifiers: ClinVar variation 485778 (VCV000485778.17), dbSNP rs776805376, ClinGen allele CA4448278.

ClinVar aggregate classification (germline): Uncertain significance. Review status: criteria provided, multiple submitters, no conflicts (2 of 4 stars). 3 submissions from 3 submitters: Uncertain significance (3). Last evaluated 2025-12-09.

Conditions:
Hereditary cancer-predisposing syndrome. Also called: Tumor predisposition; Hereditary Cancer Syndrome; Hereditary neoplastic syndrome; Neoplastic Syndromes, Hereditary. Identifiers: Orphanet 140162, MedGen C0027672, MeSH D009386, MONDO:0015356.
Renal cell carcinoma. Identifiers: Orphanet 217071, MedGen C0007134, MeSH D002292, MONDO:0005086, HP:0005584.

Allele frequency attached by ClinVar (database versions not stated): gnomAD exomes below 0.00001 and 0.00001; ExAC 0.00001; TOPMed 0.00001; gnomAD 0.00002.
gnomAD v4.1: 14 of 1,614,042 alleles (0.00087%); highest among the groups gnomAD compares: Non-Finnish European, 0.0011%; no homozygotes.

Submissions (3):

Labcorp Genetics (formerly Invitae), Labcorp
Classification: Uncertain significance for Renal cell carcinoma. Last evaluated: 2025-12-09. Review status: criteria provided, single submitter. Criteria: Invitae Variant Classification Sherloc (09022015). Collection method: clinical testing. Allele origin: germline.
Comment: This sequence change replaces isoleucine, which is neutral and non-polar, with methionine, which is neutral and non-polar, at codon 583 of the MET protein (p.Ile583Met). This variant is present in population databases (rs776805376, gnomAD 0.0009%). This variant has not been reported in the literature in individuals affected with MET-related conditions. ClinVar contains an entry for this variant (Variation ID: 485778). Invitae Evidence Modeling of protein sequence and biophysical properties (such as structural, functional, and spatial information, amino acid conservation, physicochemical variation, residue mobility, and thermodynamic stability) indicates that this missense variant is expected to disrupt MET protein function with a positive predictive value of 80%. In summary, the available evidence is currently insufficient to determine the role of this variant in disease. Therefore, it has been classified as a Variant of Uncertain Significance.

Ambry Genetics
Classification: Uncertain significance for Hereditary cancer-predisposing syndrome. Last evaluated: 2025-11-25. Review status: criteria provided, single submitter. Criteria: Ambry Variant Classification Scheme 2023. Collection method: clinical testing. Allele origin: germline.
Comment: The p.I583M variant (also known as c.1749A>G), located in coding exon 5 of the MET gene, results from an A to G substitution at nucleotide position 1749. The isoleucine at codon 583 is replaced by methionine, an amino acid with highly similar properties. This amino acid position is not well conserved in available vertebrate species. In addition, this alteration is predicted to be tolerated by in silico analysis. Since supporting evidence is limited at this time, the clinical significance of this alteration remains unclear.

Quest Diagnostics Nichols Institute San Juan Capistrano
Classification: Uncertain significance. Last evaluated: 2024-08-21. Review status: criteria provided, single submitter. Criteria: Quest Diagnostics criteria. Collection method: clinical testing. Allele origin: unknown.
Comment: The MET c.1749A>G (p.Ile583Met) variant has not been reported in individuals with MET-related conditions in the published literature. The frequency of this variant in the general population, 0.000004 (1/249354 chromosomes (Genome Aggregation Database)), is uninformative in the assessment of its pathogenicity. Analysis of this variant using bioinformatics tools for the prediction of the effect of amino acid changes on protein structure and function yielded predictions that this variant is benign. Based on the available information, we are unable to determine the clinical significance of this variant.